The following is an entry in ClinVar:

ClinVar aggregate classification (germline): Uncertain significance. Review status: criteria provided, multiple submitters, no conflicts (2 of 4 stars). 3 submissions from 3 submitters: Uncertain significance (3). Last evaluated 2024-11-04.

Conditions:
Bardet-Biedl syndrome 2 (BBS2). Identifiers: Orphanet 110, MedGen C2936863, MONDO:0014432, OMIM 615981.
Retinitis pigmentosa 74 (RP74). Identifiers: Orphanet 791, MedGen C4225281, MONDO:0014692, OMIM 616562.
Bardet-Biedl syndrome (BBS). Identifiers: Orphanet 110, MedGen C0752166, MONDO:0015229.

gnomAD v4.1: 31 of 1,614,014 alleles (0.0019%); highest among the groups gnomAD compares: Non-Finnish European, 0.0026%; no homozygotes.

Submissions (3):

Blueprint Genetics
Classification: Uncertain significance. Last evaluated: 2024-11-04. Review status: criteria provided, single submitter. Criteria: ACMG Guidelines, 2015. Collection method: clinical testing. Allele origin: germline.

Fulgent Genetics
Classification: Uncertain significance for Bardet-Biedl syndrome 2; Retinitis pigmentosa 74. Last evaluated: 2023-12-24. Review status: criteria provided, single submitter. Criteria: ACMG Guidelines, 2015. Collection method: clinical testing. Allele origin: germline.

Labcorp Genetics (formerly Invitae), Labcorp
Classification: Uncertain significance for Bardet-Biedl syndrome. Last evaluated: 2022-09-19. Review status: criteria provided, single submitter. Criteria: Invitae Variant Classification Sherloc (09022015). Collection method: clinical testing. Allele origin: germline.
Comment: This sequence change replaces alanine, which is neutral and non-polar, with glycine, which is neutral and non-polar, at codon 485 of the BBS2 protein (p.Ala485Gly). This variant is present in population databases (rs376115616, gnomAD 0.003%). This variant has not been reported in the literature in individuals affected with BBS2-related conditions. Advanced modeling of protein sequence and biophysical properties (such as structural, functional, and spatial information, amino acid conservation, physicochemical variation, residue mobility, and thermodynamic stability) performed at Invitae indicates that this missense variant is not expected to disrupt BBS2 protein function. In summary, the available evidence is currently insufficient to determine the role of this variant in disease. Therefore, it has been classified as a Variant of Uncertain Significance.

NM_031885.5(BBS2):c.1454C>G (p.Ala485Gly)

Gene: BBS2 (Bardet-Biedl syndrome 2; minus strand). Cytogenetic location: 16q13.
Variant type: single nucleotide variant.
Coding change: c.1454C>G on transcript NM_031885.5 (MANE Select); coding-DNA position 1454, C replaced by G.
Protein change: p.Ala485Gly; replaces alanine 485 with glycine.
Molecular consequence: missense variant. On other transcripts: non-coding transcript variant (5).
Genome position (GRCh38, 1-based): chr16:56,499,851, G>C on the plus strand (C>G on the coding strand, the complement: BBS2 is on the minus strand). VCF-style: chr16-56499851-G-C. GRCh37 (hg19) VCF-style: chr16-56533763-G-C.
Other names: c.1454C>G, p.Ala485Gly (NM_001377456.1); short protein forms A485G.
Identifiers: ClinVar variation 2084969 (VCV002084969.3), dbSNP rs376115616, ClinGen allele CA8065732.